The following is an entry in ClinVar:

ClinVar aggregate classification (germline): Uncertain significance (1 of 4 stars; one submission).

Conditions:
Tuberous sclerosis 2 (TSC2). Identifiers: Orphanet 805, MedGen C1860707, MONDO:0013199, OMIM 613254.

Submission:

Labcorp Genetics (formerly Invitae), Labcorp
Classification: Uncertain significance for Tuberous sclerosis 2. Last evaluated: 2025-06-14. Review status: criteria provided, single submitter. Criteria: Invitae Variant Classification Sherloc (09022015). Collection method: clinical testing. Allele origin: germline.
Comment: This sequence change replaces asparagine, which is neutral and polar, with aspartic acid, which is acidic and polar, at codon 182 of the TSC2 protein (p.Asn182Asp). This variant is not present in population databases (gnomAD no frequency). This variant has not been reported in the literature in individuals affected with TSC2-related conditions. ClinVar contains an entry for this variant (Variation ID: 1924667). Invitae Evidence Modeling of protein sequence and biophysical properties (such as structural, functional, and spatial information, amino acid conservation, physicochemical variation, residue mobility, and thermodynamic stability) indicates that this missense variant is not expected to disrupt TSC2 protein function with a negative predictive value of 95%. In summary, the available evidence is currently insufficient to determine the role of this variant in disease. Therefore, it has been classified as a Variant of Uncertain Significance.

NM_000548.5(TSC2):c.544A>G (p.Asn182Asp)

Gene: TSC2 (TSC complex subunit 2; plus strand). Cytogenetic location: 16p13.3.
Variant type: single nucleotide variant.
Coding change: c.544A>G on transcript NM_000548.5 (MANE Select); coding-DNA position 544, A replaced by G.
Protein change: p.Asn182Asp; replaces asparagine 182 with aspartic acid.
Molecular consequence: missense variant. On other transcripts: intron variant (1).
Genome position (GRCh38, 1-based): chr16:2,055,464, A>G. VCF-style: chr16-2055464-A-G. GRCh37 (hg19) VCF-style: chr16-2105465-A-G.
Other names: c.544A>G, p.Asn182Asp (NM_001406673.1, NM_021055.3, NM_001077183.3 and 8 more transcripts); c.397A>G, p.Asn133Asp (NM_001406675.1, NM_001406676.1, NM_001406679.1 and 1 more transcripts); c.487A>G, p.Asn163Asp (NM_001406677.1); c.433A>G, p.Asn145Asp (NM_001406678.1, NM_001318827.2, NM_001406670.1); c.-273A>G (NM_001406680.1, NM_001406683.1, NM_001406687.1); c.82A>G, p.Asn28Asp (NM_001406681.1); c.-888A>G (NM_001406689.1, NM_001406690.1, NM_001406691.1 and 2 more transcripts); c.-1104A>G (NM_001406693.1); and 6 more; short protein forms N182D, N133D, N145D, N193D, N212D, N28D, N163D.
Identifiers: ClinVar variation 1924667 (VCV001924667.5), dbSNP rs2151060213, ClinGen allele CA394309448.
Genomic context (GRCh38, chr16:2,055,464, plus strand): 5'-GACTTTGTCCTGCAGTGGATGGATGTTGGCTTGTCCTCGGAATTCCTTCTGGTGCTGGTG[A>G]ACTTGGTCAAATTCAATAGCTGTTACCTCGACGAGTACATCGCAAGGATGGTTCAGTAAG-3'
Protein context (NP_000539.2, residues 172-192): LSSEFLLVLV[Asn182Asp]LVKFNSCYLD